The following is an entry in ClinVar:

ClinVar aggregate classification (germline): Likely benign (1 of 4 stars; one submission).

Allele frequency attached by ClinVar (database versions not stated): ESP Exome Variant Server 0.00009; ExAC 0.00015; TOPMed 0.00016; gnomAD 0.00017; gnomAD exomes 0.00018.
gnomAD v4.1: 211 of 1,209,790 alleles (0.017%); highest among the groups gnomAD compares: Non-Finnish European, 0.021%; no homozygotes.

Submission:

CeGaT Center for Human Genetics Tuebingen
Classification: Likely benign. Last evaluated: 2025-05-01. Review status: criteria provided, single submitter. Criteria: CeGaT Center For Human Genetics Tuebingen Variant Classification Criteria Version 2. Collection method: clinical testing. Allele origin: germline. Affected: yes. Observed: 2 variant alleles.
Comment: MTMR8: BP4, BS2

NM_017677.4(MTMR8):c.1816G>A (p.Ala606Thr)

Gene: MTMR8 (myotubularin related protein 8; minus strand). Cytogenetic location: Xq11.2.
Variant type: single nucleotide variant.
Coding change: c.1816G>A on transcript NM_017677.4 (MANE Select); coding-DNA position 1816, G replaced by A.
Protein change: p.Ala606Thr; replaces alanine 606 with threonine.
Molecular consequence: missense variant.
Genome position (GRCh38, 1-based): chrX:64,268,836, C>T on the plus strand (G>A on the coding strand, the complement: MTMR8 is on the minus strand). VCF-style: chrX-64268836-C-T. GRCh37 (hg19) VCF-style: chrX-63488716-C-T.
Other names: short protein forms A606T.
Identifiers: ClinVar variation 2660751 (VCV002660751.23), dbSNP rs142319234, ClinGen allele CA10432824.